The following is an entry in ClinVar:

ClinVar aggregate classification (germline): Conflicting classifications of pathogenicity. Review status: criteria provided, conflicting classifications (1 of 4 stars). 6 submissions from 6 submitters: Uncertain significance (2); Likely benign (1). 3 of the submissions do not count toward it. Last evaluated 2025-12-18.

Conditions:
DOCK6-related disorder. Also called: DOCK6-related condition.
Inborn genetic diseases. Identifiers: MedGen C0950123, MeSH D030342.

Allele frequency attached by ClinVar (database versions not stated): gnomAD exomes 0.00013; ESP Exome Variant Server 0.00050; ExAC 0.00083; TOPMed 0.00105; gnomAD 0.00107 and 0.00114; 1000 Genomes Project 30x 0.00125; 1000 Genomes Project 0.00140.
gnomAD v4.1: 254 of 1,280,306 alleles (0.02%); highest among the groups gnomAD compares: African/African-American, 0.35%; 1 homozygote.

Submissions (6):

Labcorp Genetics (formerly Invitae), Labcorp
Classification: Likely benign. Last evaluated: 2025-12-18. Review status: criteria provided, single submitter. Criteria: Invitae Variant Classification Sherloc (09022015). Collection method: clinical testing. Allele origin: germline.

GeneDx
Classification: Uncertain significance. Last evaluated: 2025-05-11. Review status: criteria provided, single submitter. Criteria: GeneDx Variant Classification Process June 2021. Collection method: clinical testing. Allele origin: germline. Affected: yes.
Comment: In silico analysis suggests that this missense variant does not alter protein structure/function; Has not been previously published as pathogenic or benign to our knowledge

Ambry Genetics
Classification: Uncertain significance for Inborn genetic diseases. Last evaluated: 2024-10-11. Review status: criteria provided, single submitter. Criteria: Ambry Variant Classification Scheme 2023. Collection method: clinical testing. Allele origin: germline.

PreventionGenetics, part of Exact Sciences
Classification: Likely benign for DOCK6-related condition. Last evaluated: 2024-05-29. Review status: no assertion criteria provided. Collection method: clinical testing. Allele origin: germline. Not counted in ClinVar's aggregate classification.
Comment: This variant is classified as likely benign based on ACMG/AMP sequence variant interpretation guidelines (Richards et al. 2015 PMID: 25741868, with internal and published modifications).

Clinical Genetics DNA and cytogenetics Diagnostics Lab, Erasmus MC, Erasmus Medical Center
Classification: Likely benign. Review status: no assertion criteria provided. Collection method: clinical testing. Allele origin: germline. Affected: yes. Study: VKGL Data-share Consensus. Not counted in ClinVar's aggregate classification.

Laboratory of Diagnostic Genome Analysis, Leiden University Medical Center (LUMC)
Classification: Likely benign. Review status: no assertion criteria provided. Collection method: clinical testing. Allele origin: germline. Affected: yes. Study: VKGL Data-share Consensus. Not counted in ClinVar's aggregate classification.

NM_020812.4(DOCK6):c.38T>C (p.Ile13Thr)

Gene: DOCK6 (dedicator of cytokinesis 6; minus strand). Cytogenetic location: 19p13.2.
Variant type: single nucleotide variant.
Coding change: c.38T>C on transcript NM_020812.4 (MANE Select); coding-DNA position 38, T replaced by C.
Protein change: p.Ile13Thr; replaces isoleucine 13 with threonine.
Molecular consequence: missense variant.
Genome position (GRCh38, 1-based): chr19:11,262,403, A>G on the plus strand (T>C on the coding strand, the complement: DOCK6 is on the minus strand). VCF-style: chr19-11262403-A-G. GRCh37 (hg19) VCF-style: chr19-11373079-A-G.
Other names: c.38T>C (NM_020812.3, NM_020812.2); c.38T>C, p.Ile13Thr (NM_001367830.1); short protein forms I13T.
Identifiers: ClinVar variation 1328364 (VCV001328364.13), dbSNP rs7249952, ClinGen allele CA9208670.